The following is an entry in ClinVar:

ClinVar aggregate classification (germline): Benign (0 of 4 stars; one submission).

Conditions:
IL31RA-related disorder. Also called: IL31RA-related condition.

Allele frequency attached by ClinVar (database versions not stated): gnomAD exomes 0.00014; ExAC 0.00051; gnomAD 0.00151; TOPMed 0.00175; 1000 Genomes Project 30x 0.00187; 1000 Genomes Project 0.00200.
gnomAD v4.1: 449 of 1,613,390 alleles (0.028%); highest among the groups gnomAD compares: African/African-American, 0.53%; 1 homozygote.

Submission:

PreventionGenetics, part of Exact Sciences
Classification: Benign for IL31RA-related condition. Last evaluated: 2019-08-09. Review status: no assertion criteria provided. Collection method: clinical testing. Allele origin: germline.
Comment: This variant is classified as benign based on ACMG/AMP sequence variant interpretation guidelines (Richards et al. 2015 PMID: 25741868, with internal and published modifications).

NM_139017.7(IL31RA):c.1501+79C>T

Gene: IL31RA (interleukin 31 receptor A; plus strand). Cytogenetic location: 5q11.2.
Variant type: single nucleotide variant.
Coding change: c.1501+79C>T on transcript NM_139017.7 (MANE Select); 79 bases into the intron after coding-DNA position 1501, C replaced by T.
Molecular consequence: intron variant. On other transcripts: missense variant (1).
Genome position (GRCh38, 1-based): chr5:55,908,490, C>T. VCF-style: chr5-55908490-C-T. GRCh37 (hg19) VCF-style: chr5-55204318-C-T.
Other names: c.1580C>T, p.Ala527Val (NM_001297570.3); c.1444+79C>T (NM_001242638.2, NM_001242636.2); c.1501+79C>T (NM_001242637.2); c.1075+79C>T (NM_001242639.2); short protein forms A527V.
Identifiers: ClinVar variation 3035433 (VCV003035433.2), dbSNP rs74629680, ClinGen allele CA3270853.